The following is an entry in ClinVar:

ClinVar aggregate classification (germline): Uncertain significance. Review status: criteria provided, multiple submitters, no conflicts (2 of 4 stars). 3 submissions from 3 submitters: Uncertain significance (3). Last evaluated 2025-12-04.

Conditions:
Cardiovascular phenotype. Identifiers: MedGen CN230736.
Brugada syndrome 9 (BRGDA9). Identifiers: Orphanet 130, MedGen C4225340, MONDO:0014621, OMIM 616399.
Spinocerebellar ataxia type 19/22 (SCA19). Also called: SPINOCEREBELLAR ATAXIA 19; SPINOCEREBELLAR ATAXIA 22. Identifiers: Orphanet 98772, MedGen C1846367, MONDO:0011819, OMIM 607346.

Allele frequency attached by ClinVar (database versions not stated): ExAC 0.00001; gnomAD 0.00001; gnomAD exomes 0.00001; TOPMed 0.00003; ESP Exome Variant Server 0.00008.
gnomAD v4.1: 9 of 1,614,038 alleles (0.00056%); highest among the groups gnomAD compares: African/African-American, 0.012%; no homozygotes.

Submissions (3):

Ambry Genetics
Classification: Uncertain significance for Cardiovascular phenotype. Last evaluated: 2025-12-04. Review status: criteria provided, single submitter. Criteria: Ambry Variant Classification Scheme 2023. Collection method: clinical testing. Allele origin: germline.

Labcorp Genetics (formerly Invitae), Labcorp
Classification: Uncertain significance for Spinocerebellar ataxia type 19/22. Last evaluated: 2023-04-17. Review status: criteria provided, single submitter. Criteria: Invitae Variant Classification Sherloc (09022015). Collection method: clinical testing. Allele origin: germline.
Comment: This sequence change replaces glycine, which is neutral and non-polar, with arginine, which is basic and polar, at codon 627 of the KCND3 protein (p.Gly627Arg). This variant is present in population databases (rs372362132, gnomAD 0.007%). This variant has not been reported in the literature in individuals affected with KCND3-related conditions. ClinVar contains an entry for this variant (Variation ID: 647173). An algorithm developed to predict the effect of missense changes on protein structure and function (PolyPhen-2) suggests that this variant is likely to be disruptive. In summary, the available evidence is currently insufficient to determine the role of this variant in disease. Therefore, it has been classified as a Variant of Uncertain Significance.

Fulgent Genetics
Classification: Uncertain significance for Spinocerebellar ataxia type 19/22; Brugada syndrome 9. Last evaluated: 2021-07-07. Review status: criteria provided, single submitter. Criteria: ACMG Guidelines, 2015. Collection method: clinical testing. Allele origin: unknown.

NM_001378969.1(KCND3):c.1879G>A (p.Gly627Arg)

Gene: KCND3 (potassium voltage-gated channel subfamily D member 3; minus strand). Cytogenetic location: 1p13.2.
Variant type: single nucleotide variant.
Coding change: c.1879G>A on transcript NM_001378969.1 (MANE Select); coding-DNA position 1879, G replaced by A.
Protein change: p.Gly627Arg; replaces glycine 627 with arginine.
Molecular consequence: missense variant.
Genome position (GRCh38, 1-based): chr1:111,776,166, C>T on the plus strand (G>A on the coding strand, the complement: KCND3 is on the minus strand). VCF-style: chr1-111776166-C-T. GRCh37 (hg19) VCF-style: chr1-112318788-C-T.
Other names: c.1822G>A, p.Gly608Arg (NM_001378970.1, NM_172198.3); c.1879G>A, p.Gly627Arg (NM_004980.5); short protein forms G608R, G627R.
Identifiers: ClinVar variation 647173 (VCV000647173.12), dbSNP rs372362132, ClinGen allele CA1007326.